The following is an entry in ClinVar:

ClinVar aggregate classification (germline): Pathogenic (1 of 4 stars; one submission).

Submission:

Genetic Services Laboratory, University of Chicago
Classification: Pathogenic. Last evaluated: 2018-07-14. Review status: criteria provided, single submitter. Criteria: ACMG Guidelines, 2015. Collection method: clinical testing. Allele origin: germline. Affected: yes.
Comment: DNA sequence analysis of the HNF4A gene demonstrated a sequence change, c.325C>T, in exon 8 that results in a premature stop codon, p.Gln109*. This particular sequence change does not appear to have been previously described in patients with HNF4A--related disorders and has also not been described as a known benign sequence change in the HNf4A gene.

NM_175914.5(HNF4A):c.325C>T (p.Gln109Ter)

Gene: HNF4A (hepatocyte nuclear factor 4 alpha; plus strand). Cytogenetic location: 20q13.12.
Variant type: single nucleotide variant.
Coding change: c.325C>T on transcript NM_175914.5 (MANE Select); coding-DNA position 325, C replaced by T.
Protein change: p.Gln109Ter; replaces glutamine 109 with a stop codon.
Molecular consequence: nonsense.
Genome position (GRCh38, 1-based): chr20:44,413,699, C>T. VCF-style: chr20-44413699-C-T. GRCh37 (hg19) VCF-style: chr20-43042339-C-T.
Other names: c.391C>T, p.Gln131Ter (NM_000457.6, NM_178849.3, NM_178850.3); c.325C>T, p.Gln109Ter (NM_001030003.3, NM_001030004.3); c.370C>T, p.Gln124Ter (NM_001258355.2); c.316C>T, p.Gln106Ter (NM_001287182.2, NM_001287183.2, NM_001287184.2); short protein forms Q106*, Q109*, Q124*, Q131*.
Identifiers: ClinVar variation 1338424 (VCV001338424.4), dbSNP rs2146411947, ClinGen allele CA409105381.
Genomic context (GRCh38, chr20:44,413,699, plus strand): 5'-CCACCCCCTACTCCATCCCTGTTCTCCCTCCTCACCTCTCTGTGCCTCCTCACAGCCGTC[C>T]AGAATGAGCGGGACCGGATCAGCACTCGAAGGTCAAGCTATGAGGACAGCAGCCTGCCCT-3'